The following is an entry in ClinVar:

ClinVar aggregate classification (germline): Likely pathogenic (1 of 4 stars; one submission).

Conditions:
Pigmentary retinal dystrophy. Also called: Fundus albipunctatus. Identifiers: Orphanet 227796, Orphanet 52427, MedGen C0311338, MONDO:0007639, OMIM 136880, HP:0030642.
Congenital stationary night blindness autosomal dominant 1. Also called: NIGHT BLINDNESS, CONGENITAL STATIONARY, RHODOPSIN-RELATED. Identifiers: Orphanet 215, MedGen C1864869, MONDO:0012498, OMIM 610445.
Retinitis pigmentosa 4 (RP4). Also called: RETINITIS PIGMENTOSA, RHODOPSIN-RELATED. Identifiers: Orphanet 791, MedGen C3151001, MONDO:0013395, OMIM 613731.

Submission:

Juno Genomics, Hangzhou Juno Genomics, Inc
Classification: Likely pathogenic for Congenital stationary night blindness autosomal dominant 1; Retinitis pigmentosa 4; Pigmentary retinal dystrophy. Review status: criteria provided, single submitter. Criteria: ACMG Guidelines, 2015. Collection method: clinical testing. Allele origin: germline.
Comment: Absent from controls (or at extremely low frequency if recessive) in Genome Aggregation Database.;Multiple lines of computational evidence support a deleterious effect on the gene or gene product.;The prevalence of the variant in affected individuals is significantly increased compared to the prevalence in controls.

NM_000539.3(RHO):c.236T>C (p.Leu79Pro)

Gene: RHO (rhodopsin; plus strand). Cytogenetic location: 3q22.1.
Variant type: single nucleotide variant.
Coding change: c.236T>C on transcript NM_000539.3 (MANE Select); coding-DNA position 236, T replaced by C.
Protein change: p.Leu79Pro; replaces leucine 79 with proline.
Molecular consequence: missense variant.
Genome position (GRCh38, 1-based): chr3:129,528,969, T>C. VCF-style: chr3-129528969-T-C. GRCh37 (hg19) VCF-style: chr3-129247812-T-C.
Other names: short protein forms L79P.
Identifiers: ClinVar variation 5006537 (VCV005006537.2).